The following is an entry in ClinVar:

ClinVar aggregate classification (germline): Benign. Review status: reviewed by expert panel (3 of 4 stars). 10 submissions from 10 submitters: Benign (1). 9 of the submissions do not count toward it. Last evaluated 2019-06-18.

Conditions:
BRCA1-related disorder. Also called: BRCA1-related condition.
Hereditary cancer-predisposing syndrome. Also called: Hereditary Cancer Syndrome; Hereditary neoplastic syndrome; Neoplastic Syndromes, Hereditary; Tumor predisposition. Identifiers: Orphanet 140162, MedGen C0027672, MeSH D009386, MONDO:0015356.
Breast-ovarian cancer, familial, susceptibility to, 1 (BROVCA1). Also called: BRCA1 Hereditary Breast and Ovarian Cancer; OVARIAN CANCER, SUSCEPTIBILITY TO. Identifiers: Orphanet 145, MedGen C2676676, MONDO:0011450, OMIM 604370. Disease mechanism: loss of function.
Hereditary breast ovarian cancer syndrome. Also called: BRCA1- and BRCA2-Associated Hereditary Breast and Ovarian Cancer; Hereditary breast and ovarian cancer syndrome; Hereditary breast and ovarian cancer syndrome (HBOC); Breast and ovarian cancer; Hereditary breast and/or ovarian cancer syndrome; Hereditary breast and ovarian cancer. Identifiers: Orphanet 145, MedGen C0677776, MeSH D061325, MONDO:0003582. Disease mechanism: loss of function.

Allele frequency attached by ClinVar (database versions not stated): gnomAD exomes 0.00001.
gnomAD v4.1: 5 of 1,613,714 alleles (0.00031%); highest among the groups gnomAD compares: Non-Finnish European, 0.00042%; no homozygotes.

Submissions (10):

Evidence-based Network for the Interpretation of Germline Mutant Alleles (ENIGMA)
Classification: Benign for Breast-ovarian cancer, familial, susceptibility to, 1. Last evaluated: 2019-06-18. Review status: reviewed by expert panel. Criteria: ENIGMA BRCA1/2 Classification Criteria (2017-06-29). Collection method: curation. Allele origin: germline.
Comment: IARC class based on posterior probability from multifactorial likelihood analysis, thresholds for class as per Plon et al. 2008 (PMID: 18951446). Class 1 based on posterior probability = 0.000925

Labcorp Genetics (formerly Invitae), Labcorp
Classification: Likely benign for Hereditary breast ovarian cancer syndrome. Last evaluated: 2026-01-16. Review status: criteria provided, single submitter. Criteria: Invitae Variant Classification Sherloc (09022015). Collection method: clinical testing. Allele origin: germline. Not counted in ClinVar's aggregate classification.

Quest Diagnostics Nichols Institute San Juan Capistrano
Classification: Likely benign. Last evaluated: 2025-10-09. Review status: criteria provided, single submitter. Criteria: Quest Diagnostics criteria. Collection method: clinical testing. Allele origin: unknown. Not counted in ClinVar's aggregate classification.

Ambry Genetics
Classification: Uncertain significance for Hereditary cancer-predisposing syndrome. Last evaluated: 2025-03-08. Review status: criteria provided, single submitter. Criteria: Ambry Variant Classification Scheme 2023. Collection method: clinical testing. Allele origin: germline. Not counted in ClinVar's aggregate classification.
Comment: The p.H239R variant (also known as c.716A>G), located in coding exon 9 of the BRCA1 gene, results from an A to G substitution at nucleotide position 716. The histidine at codon 239 is replaced by arginine, an amino acid with highly similar properties. This alteration was also reported in 1/989 German breast cancer or breast/ovarian cancer families undergoing BRCA1 gene testing (Meindl A et al. Int. J. Cancer. 2002 Feb;97:472-80). This variant was not detected among a German control cohort of 95 females and 25 males aged over 60 years without a family history of BRCA-associated cancers (Arnold N et al. J. Chromatogr. B Analyt. Technol. Biomed. Lif. 2002 Dec;782:99-104). This amino acid position is poorly conserved in available vertebrate species. In addition, the in silico prediction for this alteration is inconclusive. Since supporting evidence is limited at this time, the clinical significance of this alteration remains unclear.

All of Us Research Program, National Institutes of Health
Classification: Benign for Breast-ovarian cancer, familial, susceptibility to, 1. Last evaluated: 2023-10-02. Review status: criteria provided, single submitter. Criteria: ACMG Guidelines, 2015. Collection method: clinical testing. Allele origin: germline. Inheritance: Autosomal dominant inheritance. Observed: 3 variant alleles, 3 heterozygotes. Not counted in ClinVar's aggregate classification.
Comment: This study involves interpretation of variants in research participants for the purpose of population health screening. Participant phenotype was not available at the time of variant classification. Additional details can be found in publication PMID: 35346344, PMCID: PMC8962531

GeneDx
Classification: Uncertain significance. Last evaluated: 2023-03-28. Review status: criteria provided, single submitter. Criteria: GeneDx Variant Classification Process June 2021. Collection method: clinical testing. Allele origin: germline. Affected: yes. Not counted in ClinVar's aggregate classification.
Comment: Observed in individuals with familial breast cancer, including one family where a deleterious BRCA1 variant was identified in other affected relatives who did not carry BRCA1 p.His239Arg (Dong et al., 1998; Arnold et al., 2002; Meindl et al., 2002); Published functional studies suggest no damaging effect: showed homologous recombination DNA repair activity and resistance to PARP inhibitors similar to wild type (Bouwman et al., 2020); Not observed at significant frequency in large population cohorts (gnomAD); In silico analysis supports that this missense variant has a deleterious effect on protein structure/function; Also known as 835A>G; This variant is associated with the following publications: (PMID: 28277317, 15235020, 9010228, 9760198, 11802209, 12457999, 26206375, 16267036, 29884841, 9926942, 9582019, 9788437, 20215511, 31853058, 32377563, 31131967, 32546644)

Women's Health and Genetics/Laboratory Corporation of America, LabCorp
Classification: Likely benign. Last evaluated: 2022-12-15. Review status: criteria provided, single submitter. Criteria: LabCorp Variant Classification Summary - May 2015. Collection method: clinical testing. Allele origin: germline. Not counted in ClinVar's aggregate classification.
Comment: Variant summary: BRCA1 c.716A>G (p.His239Arg) results in a non-conservative amino acid change in the encoded protein sequence. Four of five in-silico tools predict a benign effect of the variant on protein function. The variant allele was found at a frequency of 8e-06 in 250078 control chromosomes (gnomAD and Arnold_2002). The available data on variant occurrences in the general population are insufficient to allow any conclusion about variant significance. c.716A>G has been reported in the literature in affected individuals from families suspected of Hereditary Breast And Ovarian Cancer Syndrome without strong evidence (i.e. cosegregation data) for pathogenicity (e.g. Meindl_2002, Judkins_2005), including one case where another BRCA1 variant was identified in the other affected family members (Dong_1998). Thus, these reports do not provide unequivocal conclusions about association of the variant with Hereditary Breast And Ovarian Cancer Syndrome. At least one publication reports experimental evidence evaluating an impact on protein function (Bouwman_2020). These results showed no damaging effect of this variant on ability to complement BRCA1-deficient mouse embryonic stem cells in homologous recombination DNA repair (HRR) using cisplatin and olaparib sensitivity assays and a direct GFP HRR assay. Additionally, assessment by multifactorial likelihood analysis which incorporates research and clinical data, classified the variant as benign (Parsons_2019). Six submitters, including the expert panel ENIGMA, have provided clinical-significance assessments for this variant to ClinVar after 2014 with conflicting assessments: benign (n=2)/likely benign (n=1), VUS (n=3). Based on the evidence outlined above, the variant was classified as likely benign.

Color Diagnostics, LLC DBA Color Health
Classification: Benign for Hereditary cancer-predisposing syndrome. Last evaluated: 2016-02-24. Review status: criteria provided, single submitter. Criteria: ACMG Guidelines, 2015. Collection method: clinical testing. Allele origin: germline. Not counted in ClinVar's aggregate classification.

PreventionGenetics, part of Exact Sciences
Classification: Likely benign for BRCA1-related condition. Last evaluated: 2024-05-02. Review status: no assertion criteria provided. Collection method: clinical testing. Allele origin: germline. Not counted in ClinVar's aggregate classification.
Comment: This variant is classified as likely benign based on ACMG/AMP sequence variant interpretation guidelines (Richards et al. 2015 PMID: 25741868, with internal and published modifications).

Breast Cancer Information Core (BIC) (BRCA1)
Classification: Uncertain significance for Breast-ovarian cancer, familial 1. Last evaluated: 2002-05-29. Review status: no assertion criteria provided. Collection method: clinical testing. Allele origin: germline. Affected: yes. Observed: 2 variant alleles. Not counted in ClinVar's aggregate classification.

Literature cited by the submitters: PubMed 31131967 (cited by 3 submitters); PubMed 15235020 (cited by Quest Diagnostics Nichols Institute San Juan Capistrano); PubMed 11802209 (cited by 3 submitters); PubMed 9010228 (cited by Quest Diagnostics Nichols Institute San Juan Capistrano); PubMed 9760198 (cited by 3 submitters); PubMed 12457999 (cited by 3 submitters); PubMed 16267036 (cited by Quest Diagnostics Nichols Institute San Juan Capistrano and Women's Health and Genetics/Laboratory Corporation of America, LabCorp); PubMed 32546644 (cited by Quest Diagnostics Nichols Institute San Juan Capistrano and Women's Health and Genetics/Laboratory Corporation of America, LabCorp).

NM_007294.4(BRCA1):c.716A>G (p.His239Arg)

Gene: BRCA1 (BRCA1 DNA repair associated; minus strand). Cytogenetic location: 17q21.31.
Variant type: single nucleotide variant.
Coding change: c.716A>G on transcript NM_007294.4 (MANE Select); coding-DNA position 716, A replaced by G.
Protein change: p.His239Arg; replaces histidine 239 with arginine.
Molecular consequence: missense variant. On other transcripts: non-coding transcript variant (1).
Genome position (GRCh38, 1-based): chr17:43,094,815, T>C on the plus strand (A>G on the coding strand, the complement: BRCA1 is on the minus strand). VCF-style: chr17-43094815-T-C. GRCh37 (hg19) VCF-style: chr17-41246832-T-C.
Other names: p.H239R:CAT>CGT; c.503A>G, p.His168Arg (NM_001408491.1, NM_001408493.1, NM_001407571.1 and 12 more transcripts); c.506A>G, p.His169Arg (NM_001408492.1, NM_001408513.1, NM_001408514.1 and 25 more transcripts); c.452A>G, p.His151Arg (NM_001408496.1, NM_001408497.1, NM_001408498.1 and 15 more transcripts); c.383A>G, p.His128Arg (NM_001408502.1, NM_001407946.1, NM_001407947.1 and 7 more transcripts); c.449A>G, p.His150Arg (NM_001408503.1, NM_001408504.1, NM_001408505.1 and 5 more transcripts); c.380A>G, p.His127Arg (NM_001408508.1, NM_001408509.1, NM_001407954.1 and 3 more transcripts); c.335A>G, p.His112Arg (NM_001408510.1, NM_001407959.1, NM_001407960.1 and 1 more transcripts); and 15 more; short protein forms H239R, H192R, H128R, H150R, H194R, H213R, H112R, H191R.
Identifiers: ClinVar variation 55677 (VCV000055677.30), dbSNP rs80357396, ClinGen allele CA003832.